The following is an entry in ClinVar:

ClinVar aggregate classification (germline): Likely benign. Review status: criteria provided, multiple submitters, no conflicts (2 of 4 stars). 2 submissions from 2 submitters: Likely benign (2). Last evaluated 2026-05-14.

Conditions:
GDAP1-related disorder. Also called: GDAP1-related disorders; GDAP1-related condition.
Charcot-Marie-Tooth disease type 4A. Also called: Charcot-Marie-Tooth disease, demyelinating, autosomal recessive, type 4a. Identifiers: Orphanet 99948, MedGen C1859198, MONDO:0008961, OMIM 214400.

Allele frequency attached by ClinVar (database versions not stated): TOPMed 0.00002; gnomAD 0.00005 and 0.00006; gnomAD exomes 0.00005 and 0.00009; ExAC 0.00011.
gnomAD v4.1: 81 of 1,614,026 alleles (0.005%); highest among the groups gnomAD compares: Admixed American, 0.01%; no homozygotes.

Submissions (2):

PreventionGenetics, part of Exact Sciences
Classification: Likely benign for GDAP1-related condition. Last evaluated: 2026-05-14. Review status: criteria provided, single submitter. Criteria: ACMG Guidelines, 2015. Collection method: clinical testing. Allele origin: germline.
Comment: This variant is classified as likely benign based on ACMG/AMP sequence variant interpretation guidelines (Richards et al. 2015 PMID: 25741868, with internal and published modifications).

Labcorp Genetics (formerly Invitae), Labcorp
Classification: Likely benign for Charcot-Marie-Tooth disease type 4A. Last evaluated: 2023-08-24. Review status: criteria provided, single submitter. Criteria: Invitae Variant Classification Sherloc (09022015). Collection method: clinical testing. Allele origin: germline.

NM_018972.4(GDAP1):c.885T>C (p.His295=)

Gene: GDAP1 (ganglioside induced differentiation associated protein 1; plus strand). Cytogenetic location: 8q21.11.
Variant type: single nucleotide variant.
Coding change: c.885T>C on transcript NM_018972.4 (MANE Select); coding-DNA position 885, T replaced by C.
Protein change: p.His295=; no amino-acid change (histidine 295 retained).
Molecular consequence: synonymous variant. On other transcripts: intron variant (1).
Genome position (GRCh38, 1-based): chr8:74,364,175, T>C. VCF-style: chr8-74364175-T-C. GRCh37 (hg19) VCF-style: chr8-75276410-T-C.
Other names: c.681T>C, p.His227= (NM_001040875.4); c.558T>C, p.His186= (NM_001362929.2, NM_001362932.2); c.711T>C, p.His237= (NM_001362930.2); c.694+1122T>C (NM_001362931.2); c.885T>C (NM_018972.2).
Identifiers: ClinVar variation 1105238 (VCV001105238.8), dbSNP rs752758036, ClinGen allele CA4785211.